The following is an entry in ClinVar:

NM_178014.4(TUBB):c.173A>C (p.Lys58Thr)

Gene: TUBB (tubulin beta class I; plus strand). Cytogenetic location: 6p21.33.
Variant type: single nucleotide variant.
Coding change: c.173A>C on transcript NM_178014.4 (MANE Select); coding-DNA position 173, A replaced by C.
Protein change: p.Lys58Thr; replaces lysine 58 with threonine.
Molecular consequence: missense variant. On other transcripts: 5 prime UTR variant (2), non-coding transcript variant (1).
Genome position (GRCh38, 1-based): chr6:30,722,924, A>C. VCF-style: chr6-30722924-A-C. GRCh37 (hg19) VCF-style: chr6-30690701-A-C.
Other names: c.233A>C, p.Lys78Thr (NM_001293212.2); c.173A>C, p.Lys58Thr (NM_001293213.2); c.41A>C, p.Lys14Thr (NM_001293214.2); c.-44A>C (NM_001293215.2, NM_001293216.2); short protein forms K14T, K58T, K78T.
Identifiers: ClinVar variation 4685245 (VCV004685245.2).

ClinVar aggregate classification (germline): Uncertain significance (1 of 4 stars; one submission).

Submission:

GeneDx
Classification: Uncertain significance. Last evaluated: 2026-10-16. Review status: criteria provided, single submitter. Criteria: GeneDx Variant Classification Process June 2021. Collection method: clinical testing. Allele origin: germline.
Comment: Not observed at significant frequency in large population cohorts (gnomAD); In silico analysis suggests that this missense variant does not alter protein structure/function; Has not been previously published as pathogenic or benign to our knowledge